The following is an entry in ClinVar:

NM_014425.5(INVS):c.572A>G (p.Asn191Ser)

Gene: INVS (inversin; plus strand). Cytogenetic location: 9q31.1.
Variant type: single nucleotide variant.
Coding change: c.572A>G on transcript NM_014425.5 (MANE Select); coding-DNA position 572, A replaced by G.
Protein change: p.Asn191Ser; replaces asparagine 191 with serine.
Molecular consequence: missense variant. On other transcripts: 5 prime UTR variant (1), non-coding transcript variant (1).
Genome position (GRCh38, 1-based): chr9:100,229,784, A>G. VCF-style: chr9-100229784-A-G. GRCh37 (hg19) VCF-style: chr9-102992066-A-G.
Other names: c.284A>G, p.Asn95Ser (NM_001318381.2); c.-418A>G (NM_001318382.2); short protein forms N191S, N95S.
Identifiers: ClinVar variation 1524831 (VCV001524831.5), dbSNP rs1831448800, ClinGen allele CA374360613.
Genomic context (GRCh38, chr9:100,229,784, plus strand): 5'-ATGATTCTAACATTGGGATTCCTGATGTTGAAGGCAAGATCCCACTTCACTGGGCAGCCA[A>G]CCATAAAGATCCAAGTGCTGTTCACACAGTGAGATGCATTCTGGTGAGTTGAATGGTACT-3'
Protein context (NP_055240.2, residues 181-201): EGKIPLHWAA[Asn191Ser]HKDPSAVHTV

ClinVar aggregate classification (germline): Uncertain significance (1 of 4 stars; one submission).

Conditions:
Nephronophthisis. Also called: Juvenile Nephronophthisis. Identifiers: Orphanet 655, MedGen C0687120, MONDO:0019005, HP:0000090.

Allele frequency attached by ClinVar (database versions not stated): gnomAD exomes below 0.00001; gnomAD 0.00001.
gnomAD v4.1: 3 of 1,614,072 alleles (0.00019%); highest among the groups gnomAD compares: East Asian, 0.0022%; no homozygotes.

Submission:

Labcorp Genetics (formerly Invitae), Labcorp
Classification: Uncertain significance for Nephronophthisis. Last evaluated: 2021-08-27. Review status: criteria provided, single submitter. Criteria: Invitae Variant Classification Sherloc (09022015). Collection method: clinical testing. Allele origin: germline.
Comment: This sequence change replaces asparagine with serine at codon 191 of the INVS protein (p.Asn191Ser). The asparagine residue is highly conserved and there is a small physicochemical difference between asparagine and serine. This variant is not present in population databases (ExAC no frequency). This variant has not been reported in the literature in individuals affected with INVS-related conditions. Algorithms developed to predict the effect of missense changes on protein structure and function (SIFT, PolyPhen-2, Align-GVGD) all suggest that this variant is likely to be tolerated. In summary, the available evidence is currently insufficient to determine the role of this variant in disease. Therefore, it has been classified as a Variant of Uncertain Significance.